The following is an entry in ClinVar:

ClinVar aggregate classification (germline): Benign. Review status: criteria provided, multiple submitters, no conflicts (2 of 4 stars). 2 submissions from 2 submitters: Benign (2). Last evaluated 2018-01-13.

Conditions:
Progressive external ophthalmoplegia with mitochondrial DNA deletions, autosomal dominant 2. Also called: PROGRESSIVE EXTERNAL OPHTHALMOPLEGIA, AUTOSOMAL DOMINANT 2. Identifiers: MedGen C1836460, MONDO:0012238, OMIM 609283.

Allele frequency attached by ClinVar (database versions not stated): TOPMed 0.41868; gnomAD 0.42184 and 0.42885; 1000 Genomes Project 0.43990; gnomAD exomes 0.52941.
gnomAD v4.1: 65,116 of 151,730 alleles (43%); highest among the groups gnomAD compares: East Asian, 67%; 15,358 homozygotes.

Submissions (2):

Illumina Laboratory Services, Illumina
Classification: Benign for Progressive external ophthalmoplegia with mitochondrial DNA deletions, autosomal dominant 2. Last evaluated: 2018-01-13. Review status: criteria provided, single submitter. Criteria: ICSL Variant Classification Criteria 13 December 2019. Collection method: clinical testing. Allele origin: germline.
Comment: This variant was observed in the ICSL laboratory as part of a predisposition screen in an ostensibly healthy population. It had not been previously curated by ICSL or reported in the Human Gene Mutation Database (HGMD: prior to June 1st, 2018), and was therefore a candidate for classification through an automated scoring system. Utilizing variant allele frequency, disease prevalence and penetrance estimates, and inheritance mode, an automated score was calculated to assess if this variant is too frequent to cause the disease. Based on the score and internal cut-off values, a variant classified as benign is not then subjected to further curation. The score for this variant resulted in a classification of benign for this disease.

Breakthrough Genomics
Classification: Benign. Review status: criteria provided, single submitter. Criteria: ACMG Guidelines, 2015. Collection method: not provided. Allele origin: germline. Inheritance: Autosomal recessive inheritance. Affected: yes.

NM_001151.4(SLC25A4):c.*1053T>C

Gene: SLC25A4 (solute carrier family 25 member 4; plus strand). Cytogenetic location: 4q35.1.
Variant type: single nucleotide variant.
Coding change: c.*1053T>C on transcript NM_001151.4 (MANE Select); 1053 bases downstream of the stop codon, T replaced by C.
Molecular consequence: 3 prime UTR variant.
Genome position (GRCh38, 1-based): chr4:185,148,024, T>C. VCF-style: chr4-185148024-T-C. GRCh37 (hg19) VCF-style: chr4-186069178-T-C.
Identifiers: ClinVar variation 348262 (VCV000348262.6), dbSNP rs55905558, ClinGen allele CA10618360.